The following is an entry in ClinVar:

ClinVar aggregate classification (germline): Benign (1 of 4 stars; one submission).

Conditions:
Polycystic liver disease 1 (PCLD1). Also called: Polycystic liver disease 1 with or without kidney cysts. Identifiers: Orphanet 2924, MedGen C0887850, MONDO:0008265, OMIM 174050.

Allele frequency attached by ClinVar (database versions not stated): gnomAD exomes 0.00022 and 0.00048; ExAC 0.00053; 1000 Genomes Project 0.00180; gnomAD 0.00211 and 0.00226; ESP Exome Variant Server 0.00218; 1000 Genomes Project 30x 0.00219; TOPMed 0.00252.
gnomAD v4.1: 663 of 1,612,602 alleles (0.041%); highest among the groups gnomAD compares: African/African-American, 0.74%; 3 homozygotes.

Submissions (4):

Illumina Laboratory Services, Illumina
Classification: Benign for Polycystic liver disease 1. Last evaluated: 2018-01-13. Review status: criteria provided, single submitter. Criteria: ICSL Variant Classification Criteria 13 December 2019. Collection method: clinical testing. Allele origin: germline.
Comment: This variant was observed in the ICSL laboratory as part of a predisposition screen in an ostensibly healthy population. It had not been previously curated by ICSL or reported in the Human Gene Mutation Database (HGMD: prior to June 1st, 2018), and was therefore a candidate for classification through an automated scoring system. Utilizing variant allele frequency, disease prevalence and penetrance estimates, and inheritance mode, an automated score was calculated to assess if this variant is too frequent to cause the disease. Based on the score and internal cut-off values, a variant classified as benign is not then subjected to further curation. The score for this variant resulted in a classification of benign for this disease.

Dr. Peter K. Rogan Lab, Western University
No classification provided (evidence only). Condition: Familial cancer of breast. Review status: no classification provided. Collection method: in vitro. Allele origin: not applicable. Functional consequence: retained intron. Not counted in ClinVar's aggregate classification.

Dr. Peter K. Rogan Lab, Western University
No classification provided (evidence only). Condition: Cervical cancer. Review status: no classification provided. Collection method: in vitro. Allele origin: not applicable. Functional consequence: retained intron. Not counted in ClinVar's aggregate classification.

Dr. Peter K. Rogan Lab, Western University
No classification provided (evidence only). Condition: Malignant tumor of esophagus. Review status: no classification provided. Collection method: in vitro. Allele origin: not applicable. Functional consequence: retained intron. Not counted in ClinVar's aggregate classification.

NM_001289104.2(PRKCSH):c.*16+6C>T

Gene: PRKCSH (PRKCSH beta subunit of glucosidase II; plus strand). Cytogenetic location: 19p13.2.
Variant type: single nucleotide variant.
Coding change: c.*16+6C>T on transcript NM_001289104.2 (MANE Select); 6 bases into the intron after 16 bases downstream of the stop codon, C replaced by T.
Molecular consequence: intron variant.
Genome position (GRCh38, 1-based): chr19:11,449,434, C>T. VCF-style: chr19-11449434-C-T. GRCh37 (hg19) VCF-style: chr19-11560249-C-T.
Other names: NC_000019.9:g.11560249C>T; c.*16+6C>T (NM_001289103.2, NM_001379609.1, NM_001379608.1 and 3 more transcripts).
Identifiers: ClinVar variation 328198 (VCV000328198.6), dbSNP rs143718876, ClinGen allele CA9213387.
Genomic context (GRCh38, chr19:11,449,434, plus strand): 5'-CCTGAAGCACCCACCGAAGACGACCATGACGAGCTCTAGCTGGATGGGCGCAGAGGTGGG[C>T]GGGGAGGTGGAGTCTCGTCGGCCTGCCCCAGCAAGGGGAGGCGGCGGGCCCTGAGGAAGA-3'